The following is an entry in ClinVar:

NM_003079.5(SMARCE1):c.484T>A (p.Ser162Thr)

Gene: SMARCE1 (SWI/SNF related BAF chromatin remodeling complex subunit E1; minus strand). Cytogenetic location: 17q21.2.
Variant type: single nucleotide variant.
Coding change: c.484T>A on transcript NM_003079.5 (MANE Select); coding-DNA position 484, T replaced by A.
Protein change: p.Ser162Thr; replaces serine 162 with threonine.
Molecular consequence: missense variant.
Genome position (GRCh38, 1-based): chr17:40,635,988, A>T on the plus strand (T>A on the coding strand, the complement: SMARCE1 is on the minus strand). VCF-style: chr17-40635988-A-T. GRCh37 (hg19) VCF-style: chr17-38792240-A-T.
Other names: short protein forms S162T.
Identifiers: ClinVar variation 239494 (VCV000239494.9), dbSNP rs878854602, ClinGen allele CA10583541.

ClinVar aggregate classification (germline): Uncertain significance. Review status: criteria provided, multiple submitters, no conflicts (2 of 4 stars). 2 submissions from 2 submitters: Uncertain significance (2). Last evaluated 2025-08-29.

Conditions:
Hereditary cancer-predisposing syndrome. Also called: Neoplastic Syndromes, Hereditary; Hereditary neoplastic syndrome; Tumor predisposition; Hereditary Cancer Syndrome. Identifiers: Orphanet 140162, MedGen C0027672, MeSH D009386, MONDO:0015356.
Familial meningioma. Also called: Meningioma, familial, susceptibility to. Identifiers: Orphanet 263662, MedGen C3551915, MONDO:0011789, OMIM 607174.

Allele frequency attached by ClinVar (database versions not stated): gnomAD exomes below 0.00001.
gnomAD v4.1: 5 of 1,613,512 alleles (0.00031%); highest among the groups gnomAD compares: South Asian, 0.0055%; no homozygotes.

Submissions (2):

Labcorp Genetics (formerly Invitae), Labcorp
Classification: Uncertain significance for Familial meningioma. Last evaluated: 2025-08-29. Review status: criteria provided, single submitter. Criteria: Invitae Variant Classification Sherloc (09022015). Collection method: clinical testing. Allele origin: germline.
Comment: This sequence change replaces serine, which is neutral and polar, with threonine, which is neutral and polar, at codon 162 of the SMARCE1 protein (p.Ser162Thr). This variant is not present in population databases (gnomAD no frequency). This variant has not been reported in the literature in individuals affected with SMARCE1-related conditions. ClinVar contains an entry for this variant (Variation ID: 239494). Invitae Evidence Modeling of protein sequence and biophysical properties (such as structural, functional, and spatial information, amino acid conservation, physicochemical variation, residue mobility, and thermodynamic stability) indicates that this missense variant is not expected to disrupt SMARCE1 protein function with a negative predictive value of 80%. In summary, the available evidence is currently insufficient to determine the role of this variant in disease. Therefore, it has been classified as a Variant of Uncertain Significance.

Ambry Genetics
Classification: Uncertain significance for Hereditary cancer-predisposing syndrome. Last evaluated: 2025-07-22. Review status: criteria provided, single submitter. Criteria: Ambry Variant Classification Scheme 2023. Collection method: clinical testing. Allele origin: germline.
Comment: The p.S162T variant (also known as c.484T>A), located in coding exon 6 of the SMARCE1 gene, results from a T to A substitution at nucleotide position 484. The serine at codon 162 is replaced by threonine, an amino acid with similar properties. This amino acid position is highly conserved in available vertebrate species. In addition, this alteration is predicted to be tolerated by in silico analysis. Missense and in-frame variants in SMARCE1 are known to cause neurodevelopmental disorders; however, such associations with increased risk of meningiomas are exceedingly rare (Kosho T et al. Am J Med Genet C Semin Med Genet. 2014 Sep;166C(3):262-75; Smith JM et al. Nat Genet. 2013 Mar;45(3):295-8). Based on the supporting evidence, the association of this alteration with Coffin-Siris syndrome is unknown; however, the association of this alteration with an increased risk of meningiomas is unlikely.